The following is an entry in ClinVar:

ClinVar aggregate classification (germline): other (0 of 4 stars; one submission).

Conditions:
Familial colorectal cancer. Identifiers: MedGen CN280943, MONDO:0023113. Disease mechanism: loss of function.

Submission:

Systems Biology Platform Zhejiang California International NanoSystems Institute
Classification: other for Familial colorectal cancer. Review status: no assertion criteria provided. Collection method: not provided. Allele origin: unknown.
ClinVar note: Converted during submission from cancer to other.

NM_000038.6(APC):c.646-847T>C

Gene: APC (APC regulator of WNT signaling pathway; plus strand). Cytogenetic location: 5q22.2.
Variant type: single nucleotide variant.
Coding change: c.646-847T>C on transcript NM_000038.6 (MANE Select); 847 bases into the intron before coding-DNA position 646, T replaced by C.
Molecular consequence: intron variant.
Genome position (GRCh38, 1-based): chr5:112,791,599, T>C. VCF-style: chr5-112791599-T-C. GRCh37 (hg19) VCF-style: chr5-112127296-T-C.
Other names: c.646-847T>C (NM_001354895.2, NM_001127510.3, NM_001354896.2 and 1 more transcripts); c.676-847T>C (NM_001354897.2, NM_001354902.2); c.676-9680T>C (NM_001127511.3); c.571-847T>C (NM_001354898.2, NM_001354904.2); c.-390-847T>C (NM_001354906.2); c.646-9680T>C (NM_001354899.2); c.469-847T>C (NM_001354900.2, NM_001354901.2, NM_001354905.2).
Identifiers: ClinVar variation 82475 (VCV000082475.2), dbSNP rs77916048, ClinGen allele CA012148.